The following is an entry in ClinVar:

NM_016343.4(CENPF):c.1510C>T (p.His504Tyr)

Gene: CENPF (centromere protein F; plus strand). Cytogenetic location: 1q41.
Variant type: single nucleotide variant.
Coding change: c.1510C>T on transcript NM_016343.4 (MANE Select); coding-DNA position 1510, C replaced by T.
Protein change: p.His504Tyr; replaces histidine 504 with tyrosine.
Molecular consequence: missense variant.
Genome position (GRCh38, 1-based): chr1:214,637,929, C>T. VCF-style: chr1-214637929-C-T. GRCh37 (hg19) VCF-style: chr1-214811272-C-T.
Other names: short protein forms H504Y.
Identifiers: ClinVar variation 1027275 (VCV001027275.8), dbSNP rs1658006859, ClinGen allele CA344816918.

ClinVar aggregate classification (germline): Uncertain significance (1 of 4 stars; one submission).

Submission:

Labcorp Genetics (formerly Invitae), Labcorp
Classification: Uncertain significance. Last evaluated: 2023-10-11. Review status: criteria provided, single submitter. Criteria: Invitae Variant Classification Sherloc (09022015). Collection method: clinical testing. Allele origin: germline.
Comment: This sequence change replaces histidine, which is basic and polar, with tyrosine, which is neutral and polar, at codon 504 of the CENPF protein (p.His504Tyr). This variant is not present in population databases (gnomAD no frequency). This variant has not been reported in the literature in individuals affected with CENPF-related conditions. ClinVar contains an entry for this variant (Variation ID: 1027275). An algorithm developed to predict the effect of missense changes on protein structure and function (PolyPhen-2) suggests that this variant is likely to be disruptive. In summary, the available evidence is currently insufficient to determine the role of this variant in disease. Therefore, it has been classified as a Variant of Uncertain Significance.